The following is an entry in ClinVar:

ClinVar aggregate classification (germline): Conflicting classifications of pathogenicity. Review status: criteria provided, conflicting classifications (1 of 4 stars). 3 submissions from 3 submitters: Uncertain significance (2); Likely benign (1). Last evaluated 2023-12-05.

Conditions:
Hereditary cancer-predisposing syndrome. Also called: Neoplastic Syndromes, Hereditary; Tumor predisposition; Hereditary Cancer Syndrome; Hereditary neoplastic syndrome. Identifiers: Orphanet 140162, MedGen C0027672, MeSH D009386, MONDO:0015356.

Submissions (3):

Color Diagnostics, LLC DBA Color Health
Classification: Uncertain significance for Hereditary cancer-predisposing syndrome. Last evaluated: 2023-12-05. Review status: criteria provided, single submitter. Criteria: ACMG Guidelines, 2015. Collection method: clinical testing. Allele origin: germline.
Comment: This missense variant replaces aspartic acid with histidine at codon 796 of the BRCA2 protein. Computational prediction suggests that this variant may not impact protein structure and function (internally defined REVEL score threshold <= 0.5, PMID: 27666373). To our knowledge, functional studies have not been reported for this variant. This variant has not been reported in individuals affected with BRCA2-related disorders in the literature. This variant has not been identified in the general population by the Genome Aggregation Database (gnomAD). The available evidence is insufficient to determine the role of this variant in disease conclusively. Therefore, this variant is classified as a Variant of Uncertain Significance.

Ambry Genetics
Classification: Uncertain significance for Hereditary cancer-predisposing syndrome. Last evaluated: 2023-10-12. Review status: criteria provided, single submitter. Criteria: Ambry Variant Classification Scheme 2023. Collection method: clinical testing. Allele origin: germline.
Comment: The p.D796H variant (also known as c.2386G>C), located in coding exon 10 of the BRCA2 gene, results from a G to C substitution at nucleotide position 2386. The aspartic acid at codon 796 is replaced by histidine, an amino acid with similar properties. This amino acid position is poorly conserved in available vertebrate species. In addition, this alteration is predicted to be tolerated by in silico analysis. Since supporting evidence is limited at this time, the clinical significance of this alteration remains unclear.

University of Washington Department of Laboratory Medicine, University of Washington
Classification: Likely benign for Hereditary cancer-predisposing syndrome. Last evaluated: 2023-03-23. Review status: criteria provided, single submitter. Criteria: Dines et al. (Genet Med. 2020). Collection method: curation. Allele origin: germline.
Comment: Missense variant in a coldspot region where missense variants are very unlikely to be pathogenic (PMID:31911673).

BRCA2 exon 11 coldspot. Reclassification based on statistical prior probability.

NM_000059.4(BRCA2):c.2386G>C (p.Asp796His)

Gene: BRCA2 (BRCA2 DNA repair associated; plus strand). Cytogenetic location: 13q13.1.
Variant type: single nucleotide variant.
Coding change: c.2386G>C on transcript NM_000059.4 (MANE Select); coding-DNA position 2386, G replaced by C.
Protein change: p.Asp796His; replaces aspartic acid 796 with histidine.
Molecular consequence: missense variant.
Genome position (GRCh38, 1-based): chr13:32,336,741, G>C. VCF-style: chr13-32336741-G-C. GRCh37 (hg19) VCF-style: chr13-32910878-G-C.
Other names: short protein forms D796H.
Identifiers: ClinVar variation 483088 (VCV000483088.12), dbSNP rs1555282650, ClinGen allele CA387771873.